The following is an entry in ClinVar:

NM_001370658.1(BTD):c.117_122dup (p.Ala41_Val42insAlaAla)

Gene: BTD (biotinidase; plus strand). Cytogenetic location: 3p25.1.
Variant type: Duplication.
Coding change: c.117_122dup on transcript NM_001370658.1 (MANE Select); coding-DNA positions 117 to 122, 6 bases duplicated (GGCTGC; older notation c.117_122dupGGCTGC).
Protein change: p.Ala41_Val42insAlaAla.
Molecular consequence: inframe insertion.
Genome position (GRCh38, 1-based): chr3:15,635,556-15,635,561, GGCTGC duplicated. VCF-style (leftmost placement, unchanged base first): chr3-15635555-T-TGGCTGC. GRCh37 (hg19) VCF-style: chr3-15677062-T-TGGCTGC.
Other names: c.117_122dup, p.Ala41_Val42insAlaAla (NM_001281723.4, NM_001281724.3, NM_001281725.3 and 37 more transcripts).
Identifiers: ClinVar variation 5004724 (VCV005004724.1).

ClinVar aggregate classification (germline): Uncertain significance (1 of 4 stars; one submission).

Conditions:
Biotinidase deficiency. Also called: BTD deficiency; Late-onset biotin-responsive multiple carboxylase deficiency; Biotin deficiency. Identifiers: Orphanet 79241, MedGen C0220754, MONDO:0009665, OMIM 253260.

Submission:

Myriad Genetics, Inc.
Classification: Uncertain significance for Biotinidase deficiency. Last evaluated: 2026-06-11. Review status: criteria provided, single submitter. Criteria: Myriad Autosomal Dominant, Autosomal Recessive and X-Linked Classification Criteria (2023). Collection method: clinical testing. Allele origin: unknown.
Comment: NM_000060.2(BTD):c.177_182dup6(A60_A61dup) is an in-frame insertion classified as a variant of uncertain significance in the context of biotinidase deficiency. A60_A61dup has not been observed in cases with relevant disease. Relevant functional assessments of this variant are not available in the literature. A60_A61dup has not been observed in referenced population frequency databases. In summary, there is insufficient evidence to classify NM_000060.2(BTD):c.177_182dup6(A60_A61dup) as pathogenic or benign. Please note: this variant was assessed in the context of healthy population screening.